The following is an entry in ClinVar:

NM_000173.7(GP1BA):c.1555C>G (p.Pro519Ala)

Gene: GP1BA (glycoprotein Ib platelet subunit alpha; plus strand). Cytogenetic location: 17p13.2.
Variant type: single nucleotide variant.
Coding change: c.1555C>G on transcript NM_000173.7 (MANE Select); coding-DNA position 1555, C replaced by G.
Protein change: p.Pro519Ala; replaces proline 519 with alanine.
Molecular consequence: missense variant.
Genome position (GRCh38, 1-based): chr17:4,934,159, C>G. VCF-style: chr17-4934159-C-G. GRCh37 (hg19) VCF-style: chr17-4837454-C-G.
Other names: short protein forms P519A.
Identifiers: ClinVar variation 4265209 (VCV004265209.2).

ClinVar aggregate classification (germline): Uncertain significance. Review status: criteria provided, multiple submitters, no conflicts (2 of 4 stars). 2 submissions from 2 submitters: Uncertain significance (2). Last evaluated 2026-04-13.

Conditions:
Inborn genetic diseases. Identifiers: MedGen C0950123, MeSH D030342.

Submissions (2):

Women's Health and Genetics/Laboratory Corporation of America, LabCorp
Classification: Uncertain significance. Last evaluated: 2026-04-13. Review status: criteria provided, single submitter. Criteria: LabCorp Variant Classification Summary - May 2015. Collection method: clinical testing. Allele origin: germline.
Comment: Variant summary: GP1BA c.1555C>G (p.Pro519Ala) results in a non-conservative amino acid change in the encoded protein sequence. Algorithms developed to predict the effect of missense changes on protein structure and function are either unavailable or do not agree on the potential impact of this missense change. The variant allele was found at a frequency of 1.2e-05 in 247662 control chromosomes. The available data on variant occurrences in the general population are insufficient to allow any conclusion about variant significance. To our knowledge, no occurrence of c.1555C>G in individuals affected with GP1BA-related conditions and no experimental evidence demonstrating its impact on protein function have been reported. ClinVar contains an entry for this variant (Variation ID: 4265209). Based on the evidence outlined above, the variant was classified as uncertain significance.

Ambry Genetics
Classification: Uncertain significance for Inborn genetic diseases. Last evaluated: 2025-09-05. Review status: criteria provided, single submitter. Criteria: Ambry Variant Classification Scheme 2023. Collection method: clinical testing. Allele origin: germline.